The following is an entry in ClinVar:

ClinVar aggregate classification (germline): Pathogenic (1 of 4 stars; one submission).

Submission:

Labcorp Genetics (formerly Invitae), Labcorp
Classification: Pathogenic. Last evaluated: 2021-06-18. Review status: criteria provided, single submitter. Criteria: Invitae Variant Classification Sherloc (09022015). Collection method: clinical testing. Allele origin: germline.
Comment: For these reasons, this variant has been classified as Pathogenic. This variant has not been reported in the literature in individuals with ELP1-related conditions. This variant is a gross deletion of the genomic region encompassing exon(s) 7-8 of the ELP1 gene. This deletion is out-of-frame, and is expected to create a premature translational stop signal and result in an absent or disrupted protein product. Loss-of-function variants in ELP1 are known to be pathogenic (PMID: 18303054, 24173031).

Literature cited by the submitters: PubMed 18303054; PubMed 24173031.

NC_000009.11:g.(?_111681081)_(111681639_?)del

Gene: ELP1 (elongator acetyltransferase complex subunit 1; minus strand). Cytogenetic location: 9q31.3.
Variant type: Deletion.
Identifiers: ClinVar variation 1455733 (VCV001455733.6).